The following is an entry in ClinVar:

ClinVar aggregate classification (germline): Uncertain significance (1 of 4 stars; one submission).

Conditions:
CREBBP-related disorder. Also called: CREBBP-related condition; CREBBP-related disorders.

Submission:

PreventionGenetics, part of Exact Sciences
Classification: Uncertain significance for CREBBP-related condition. Last evaluated: 2026-09-16. Review status: criteria provided, single submitter. Criteria: ACMG Guidelines, 2015. Collection method: clinical testing. Allele origin: germline.
Comment: The CREBBP c.3892T>A variant is predicted to result in the amino acid substitution p.Tyr1298Asn. To our knowledge, this variant has not been reported in the literature or in a large population database (gnomAD), indicating this variant is rare. At this time, the clinical significance of this variant is uncertain due to the absence of conclusive functional and genetic evidence.

NM_004380.3(CREBBP):c.3892T>A (p.Tyr1298Asn)

Gene: CREBBP (CREB binding lysine acetyltransferase; minus strand). Cytogenetic location: 16p13.3.
Variant type: single nucleotide variant.
Coding change: c.3892T>A on transcript NM_004380.3 (MANE Select); coding-DNA position 3892, T replaced by A.
Protein change: p.Tyr1298Asn; replaces tyrosine 1298 with asparagine.
Molecular consequence: missense variant.
Genome position (GRCh38, 1-based): chr16:3,745,299, A>T on the plus strand (T>A on the coding strand, the complement: CREBBP is on the minus strand). VCF-style: chr16-3745299-A-T. GRCh37 (hg19) VCF-style: chr16-3795300-A-T.
Other names: c.3778T>A, p.Tyr1260Asn (NM_001079846.1); short protein forms Y1260N, Y1298N.
Identifiers: ClinVar variation 4996598 (VCV004996598.1).